The following is an entry in ClinVar:

ClinVar aggregate classification (germline): Uncertain significance (1 of 4 stars; one submission).

Submission:

CeGaT Center for Human Genetics Tuebingen
Classification: Uncertain significance. Last evaluated: 2023-03-01. Review status: criteria provided, single submitter. Criteria: CeGaT Center For Human Genetics Tuebingen Variant Classification Criteria Version 2. Collection method: clinical testing. Allele origin: germline. Affected: yes. Observed: 1 variant allele.
Comment: AMBRA1: PM2

NM_001387011.1(AMBRA1):c.2145C>A (p.Tyr715Ter)

Gene: AMBRA1 (autophagy and beclin 1 regulator 1; minus strand). Cytogenetic location: 11p11.2.
Variant type: single nucleotide variant.
Coding change: c.2145C>A on transcript NM_001387011.1 (MANE Select); coding-DNA position 2145, C replaced by A.
Protein change: p.Tyr715Ter; replaces tyrosine 715 with a stop codon.
Molecular consequence: nonsense. On other transcripts: intron variant (2).
Genome position (GRCh38, 1-based): chr11:46,512,741, G>T on the plus strand (C>A on the coding strand, the complement: AMBRA1 is on the minus strand). VCF-style: chr11-46512741-G-T. GRCh37 (hg19) VCF-style: chr11-46534291-G-T.
Other names: c.2154C>A, p.Tyr718Ter (NM_001267782.2); c.2145C>A, p.Tyr715Ter (NM_001300731.2, NM_001367468.1); c.1338C>A, p.Tyr446Ter (NM_001367470.1); c.1875C>A, p.Tyr625Ter (NM_001367471.1, NM_017749.3); c.1803-18537C>A (NM_001367469.1); c.1803-4371C>A (NM_001267783.2); short protein forms Y446*, Y625*, Y715*, Y718*.
Identifiers: ClinVar variation 2641748 (VCV002641748.24), dbSNP rs2497373638, ClinGen allele CA380423234.